The following is an entry in ClinVar:

ClinVar aggregate classification (germline): Uncertain significance (1 of 4 stars; one submission).

Conditions:
Peroxisome biogenesis disorder 2B (PBD2B). Identifiers: Orphanet 44, MedGen C3550234, MONDO:0008736, OMIM 202370.

Submission:

Labcorp Genetics (formerly Invitae), Labcorp
Classification: Uncertain significance for Peroxisome biogenesis disorder 2B. Last evaluated: 2021-08-12. Review status: criteria provided, single submitter. Criteria: Invitae Variant Classification Sherloc (09022015). Collection method: clinical testing. Allele origin: germline.
Comment: This variant has not been reported in the literature in individuals affected with PEX5-related conditions. In summary, the available evidence is currently insufficient to determine the role of this variant in disease. Therefore, it has been classified as a Variant of Uncertain Significance. Algorithms developed to predict the effect of missense changes on protein structure and function (SIFT, PolyPhen-2, Align-GVGD) all suggest that this variant is likely to be disruptive. This variant is not present in population databases (ExAC no frequency). This sequence change replaces isoleucine with threonine at codon 564 of the PEX5 protein (p.Ile564Thr). The isoleucine residue is highly conserved and there is a moderate physicochemical difference between isoleucine and threonine.

NM_001351132.2(PEX5):c.1691T>C (p.Ile564Thr)

Gene: PEX5 (peroxisomal biogenesis factor 5; plus strand). Cytogenetic location: 12p13.31.
Variant type: single nucleotide variant.
Coding change: c.1691T>C on transcript NM_001351132.2 (MANE Select); coding-DNA position 1691, T replaced by C.
Protein change: p.Ile564Thr; replaces isoleucine 564 with threonine.
Molecular consequence: missense variant.
Genome position (GRCh38, 1-based): chr12:7,209,813, T>C. VCF-style: chr12-7209813-T-C. GRCh37 (hg19) VCF-style: chr12-7362409-T-C.
Other names: c.1667T>C, p.Ile556Thr (NM_000319.5); c.1736T>C, p.Ile579Thr (NM_001131023.2); c.1580T>C, p.Ile527Thr (NM_001131024.2, NM_001351124.3, NM_001351126.2 and 7 more transcripts); c.1691T>C, p.Ile564Thr (NM_001131025.2, NM_001131026.2, NM_001300789.3 and 4 more transcripts); c.1625T>C, p.Ile542Thr (NM_001351135.3, NM_001351138.2); c.1682T>C, p.Ile561Thr (NM_001351136.2); c.1556T>C, p.Ile519Thr (NM_001351139.2, NM_001351140.2, NM_001374649.2); short protein forms I542T, I527T, I556T, I561T, I519T, I564T, I579T.
Identifiers: ClinVar variation 1464167 (VCV001464167.6), dbSNP rs1945312349, ClinGen allele CA383738647.